The following is an entry in ClinVar:

ClinVar aggregate classification (germline): Uncertain significance (1 of 4 stars; one submission).

Submission:

Labcorp Genetics (formerly Invitae), Labcorp
Classification: Uncertain significance. Last evaluated: 2023-05-29. Review status: criteria provided, single submitter. Criteria: Invitae Variant Classification Sherloc (09022015). Collection method: clinical testing. Allele origin: germline.
Comment: This variant has not been reported in the literature in individuals affected with SLC7A14-related conditions. Information on the frequency of this variant in the gnomAD database is not available, as this variant may be reported differently in the database. This sequence change falls in intron 6 of the SLC7A14 gene. It does not directly change the encoded amino acid sequence of the SLC7A14 protein. Experimental studies and prediction algorithms are not available or were not evaluated, and the effect of this variant on mRNA splicing is currently unknown. In summary, the available evidence is currently insufficient to determine the role of this variant in disease. Therefore, it has been classified as a Variant of Uncertain Significance.

NM_020949.3(SLC7A14):c.1116-12_1116-11delinsTA

Genes: SLC7A14 (solute carrier family 7 member 14; minus strand), SLC7A14-AS1 (SLC7A14 antisense RNA 1; plus strand). Cytogenetic location: 3q26.2.
Variant type: Indel.
Coding change: c.1116-12_1116-11delinsTA on transcript NM_020949.3 (MANE Select); 12 bases into the intron before coding-DNA position 1116 through 11 bases into the intron before coding-DNA position 1116, CG replaced by TA.
Molecular consequence: intron variant.
Genome position (GRCh38, 1-based): chr3:170,481,177-170,481,178, CG replaced by TA on the plus strand (CG replaced by TA on the coding strand, the reverse complement: SLC7A14 is on the minus strand). VCF-style: chr3-170481177-CG-TA. GRCh37 (hg19) VCF-style: chr3-170198966-CG-TA.
Identifiers: ClinVar variation 2959383 (VCV002959383.3), dbSNP rs2473368424, ClinGen allele CA2740091054.